The following is an entry in ClinVar:

ClinVar aggregate classification (germline): Uncertain significance (1 of 4 stars; one submission).

Conditions:
Hereditary cancer-predisposing syndrome. Also called: Tumor predisposition; Hereditary neoplastic syndrome; Neoplastic Syndromes, Hereditary; Hereditary Cancer Syndrome. Identifiers: Orphanet 140162, MedGen C0027672, MeSH D009386, MONDO:0015356.

Submission:

Ambry Genetics
Classification: Uncertain significance for Hereditary cancer-predisposing syndrome. Last evaluated: 2025-05-01. Review status: criteria provided, single submitter. Criteria: Ambry Variant Classification Scheme 2023. Collection method: clinical testing. Allele origin: germline.
Comment: The p.C8Y variant (also known as c.23G>A), located in coding exon 1 of the FLCN gene, results from a G to A substitution at nucleotide position 23. The cysteine at codon 8 is replaced by tyrosine, an amino acid with highly dissimilar properties. This amino acid position is conserved. In addition, this alteration is predicted to be deleterious by in silico analysis. Based on the available evidence, the clinical significance of this variant remains unclear.

NM_144997.7(FLCN):c.23G>A (p.Cys8Tyr)

Gene: FLCN (folliculin; minus strand). Cytogenetic location: 17p11.2.
Variant type: single nucleotide variant.
Coding change: c.23G>A on transcript NM_144997.7 (MANE Select); coding-DNA position 23, G replaced by A.
Protein change: p.Cys8Tyr; replaces cysteine 8 with tyrosine.
Molecular consequence: missense variant.
Genome position (GRCh38, 1-based): chr17:17,228,115, C>T on the plus strand (G>A on the coding strand, the complement: FLCN is on the minus strand). VCF-style: chr17-17228115-C-T. GRCh37 (hg19) VCF-style: chr17-17131429-C-T.
Other names: c.23G>A, p.Cys8Tyr (NM_001353229.2, NM_001353230.2, NM_001353231.2 and 1 more transcripts); short protein forms C8Y.
Identifiers: ClinVar variation 4025313 (VCV004025313.1).